The following is an entry in ClinVar:

ClinVar aggregate classification (germline): Uncertain significance. Review status: criteria provided, multiple submitters, no conflicts (2 of 4 stars). 2 submissions from 2 submitters: Uncertain significance (2). Last evaluated 2025-04-30.

Conditions:
ESPN-related disorder. Also called: ESPN-related condition.

Submissions (2):

GeneDx
Classification: Uncertain significance. Last evaluated: 2025-04-30. Review status: criteria provided, single submitter. Criteria: GeneDx Variant Classification Process June 2021. Collection method: clinical testing. Allele origin: germline. Affected: yes.
Comment: In silico analysis indicates that this missense variant does not alter protein structure/function; Has not been previously published as pathogenic or benign to our knowledge

PreventionGenetics, part of Exact Sciences
Classification: Uncertain significance for ESPN-related condition. Last evaluated: 2025-03-24. Review status: criteria provided, single submitter. Criteria: ACMG Guidelines, 2015. Collection method: clinical testing. Allele origin: germline.
Comment: The ESPN c.352G>A variant is predicted to result in the amino acid substitution p.Glu118Lys. To our knowledge, this variant has not been reported in the literature. This variant is reported in 0.014% of alleles in individuals of Latino descent in gnomAD. At this time, the clinical significance of this variant is uncertain due to the absence of conclusive functional and genetic evidence.

NM_031475.3(ESPN):c.352G>A (p.Glu118Lys)

Gene: ESPN (espin; plus strand). Cytogenetic location: 1p36.31.
Variant type: single nucleotide variant.
Coding change: c.352G>A on transcript NM_031475.3 (MANE Select); coding-DNA position 352, G replaced by A.
Protein change: p.Glu118Lys; replaces glutamic acid 118 with lysine.
Molecular consequence: missense variant.
Genome position (GRCh38, 1-based): chr1:6,428,283, G>A. VCF-style: chr1-6428283-G-A. GRCh37 (hg19) VCF-style: chr1-6488343-G-A.
Other names: c.352G>A, p.Glu118Lys (NM_001367473.1, NM_001367474.1); short protein forms E118K.
Identifiers: ClinVar variation 4527469 (VCV004527469.2).